The following is an entry in ClinVar:

NM_002055.5(GFAP):c.1105C>G (p.Leu369Val)

Genes: GFAP (glial fibrillary acidic protein; minus strand), LOC130060994 (ATAC-STARR-seq lymphoblastoid active region 12266; plus strand). Cytogenetic location: 17q21.31.
Variant type: single nucleotide variant.
Coding change: c.1105C>G on transcript NM_002055.5 (MANE Select); coding-DNA position 1105, C replaced by G.
Protein change: p.Leu369Val; replaces leucine 369 with valine.
Molecular consequence: missense variant.
Genome position (GRCh38, 1-based): chr17:44,911,258, G>C on the plus strand (C>G on the coding strand, the complement: GFAP is on the minus strand). VCF-style: chr17-44911258-G-C. GRCh37 (hg19) VCF-style: chr17-42988626-G-C.
Other names: c.1105C>G, p.Leu369Val (NM_001131019.3, NM_001242376.3, NM_001363846.2); short protein forms L369V.
Identifiers: ClinVar variation 558829 (VCV000558829.6), dbSNP rs1555574055, ClinGen allele CA399843407.

ClinVar aggregate classification (germline): Uncertain significance. Review status: criteria provided, single submitter (1 of 4 stars). 2 submissions from 2 submitters: Uncertain significance (1). 1 of the submissions does not count toward it. Last evaluated 2023-05-31.

Submissions (2):

GeneDx
Classification: Uncertain significance. Last evaluated: 2023-05-31. Review status: criteria provided, single submitter. Criteria: GeneDx Variant Classification Process June 2021. Collection method: clinical testing. Allele origin: germline. Affected: yes.
Comment: Not observed at significant frequency in large population cohorts (gnomAD); In silico analysis supports that this missense variant has a deleterious effect on protein structure/function; Has not been previously published as pathogenic or benign to our knowledge

Mayo Clinic Laboratories, Mayo Clinic
Classification: Uncertain significance. Last evaluated: 2017-08-09. Review status: no assertion criteria provided. Collection method: clinical testing. Allele origin: unknown. Not counted in ClinVar's aggregate classification.